The following is an entry in ClinVar:

ClinVar aggregate classification (germline): Benign. Review status: criteria provided, multiple submitters, no conflicts (2 of 4 stars). 2 submissions from 2 submitters: Benign (2). Last evaluated 2018-01-13.

Conditions:
Factor 5 and Factor VIII, combined deficiency of, 2. Identifiers: Orphanet 35909, MedGen C3150889, MONDO:0013331, OMIM 613625.

Allele frequency attached by ClinVar (database versions not stated): 1000 Genomes Project 0.01817; 1000 Genomes Project 30x 0.02061; TOPMed 0.03174; gnomAD 0.03363 and 0.03225; gnomAD exomes 0.01636.
gnomAD v4.1: 4,988 of 152,638 alleles (3.3%); highest among the groups gnomAD compares: Non-Finnish European, 4.7%; 103 homozygotes.

Submissions (2):

Illumina Laboratory Services, Illumina
Classification: Benign for Factor 5 and Factor VIII, combined deficiency of, 2. Last evaluated: 2018-01-13. Review status: criteria provided, single submitter. Criteria: ICSL Variant Classification Criteria 13 December 2019. Collection method: clinical testing. Allele origin: germline.
Comment: This variant was observed in the ICSL laboratory as part of a predisposition screen in an ostensibly healthy population. It had not been previously curated by ICSL or reported in the Human Gene Mutation Database (HGMD: prior to June 1st, 2018), and was therefore a candidate for classification through an automated scoring system. Utilizing variant allele frequency, disease prevalence and penetrance estimates, and inheritance mode, an automated score was calculated to assess if this variant is too frequent to cause the disease. Based on the score and internal cut-off values, a variant classified as benign is not then subjected to further curation. The score for this variant resulted in a classification of benign for this disease.

Breakthrough Genomics
Classification: Benign. Review status: criteria provided, single submitter. Criteria: ACMG Guidelines, 2015. Collection method: not provided. Allele origin: germline. Inheritance: Unknown mechanism. Affected: yes.

NM_139279.6(MCFD2):c.*3100C>G

Genes: MCFD2 (multiple coagulation factor deficiency 2, ER cargo receptor complex subunit; minus strand), MCFD2-AS1 (MCFD2 antisense RNA 1; plus strand). Cytogenetic location: 2p21.
Variant type: single nucleotide variant.
Coding change: c.*3100C>G on transcript NM_139279.6 (MANE Select); 3100 bases downstream of the stop codon, C replaced by G.
Molecular consequence: 3 prime UTR variant.
Genome position (GRCh38, 1-based): chr2:46,902,363, G>C on the plus strand (C>G on the coding strand, the complement: MCFD2 is on the minus strand). VCF-style: chr2-46902363-G-C. GRCh37 (hg19) VCF-style: chr2-47129502-G-C.
Other names: c.*3100C>G (NM_001171506.2, NM_001171507.2, NM_001171508.2 and 3 more transcripts).
Identifiers: ClinVar variation 336328 (VCV000336328.6), dbSNP rs13424086, ClinGen allele CA10613995.